The following is an entry in ClinVar:

NM_001267550.2(TTN):c.73218_73222dup (p.Gly24408fs)

Genes: TTN (titin; minus strand), TTN-AS1 (TTN antisense RNA 1; plus strand). Cytogenetic location: 2q31.2.
Variant type: Duplication.
Coding change: c.73218_73222dup on transcript NM_001267550.2 (MANE Select); coding-DNA positions 73218 to 73222, 5 bases duplicated (ACTTG; older notation c.73218_73222dupACTTG).
Protein change: p.Gly24408fs; shifts the reading frame from glycine 24408.
Molecular consequence: frameshift variant.
Genome position (GRCh38, 1-based): chr2:178,572,910-178,572,914, CAAGT duplicated on the plus strand (ACTTG on the coding strand, the reverse complement: TTN is on the minus strand); duplicating any 5 consecutive bases within chr2:178,572,910-178,572,915 gives the same sequence; the c. name uses the placement nearest the transcript's 3' end. VCF-style (leftmost placement, unchanged base first): chr2-178572909-C-CCAAGT. GRCh37 (hg19) VCF-style: chr2-179437636-C-CCAAGT.
Other names: c.68295_68299dup, p.Gly22767fs (NM_001256850.1); c.46023_46027dup, p.Gly15343fs (NM_003319.4); c.65514_65518dup, p.Gly21840fs (NM_133378.4); c.46398_46402dup, p.Gly15468fs (NM_133432.3); c.46599_46603dup, p.Gly15535fs (NM_133437.4); short protein forms G15468fs, G15535fs, G15343fs, G21840fs, G22767fs, G24408fs.
Identifiers: ClinVar variation 2010492 (VCV002010492.4), dbSNP rs2468560510, ClinGen allele CA2580064809.

ClinVar aggregate classification (germline): Likely pathogenic (1 of 4 stars; one submission).

Conditions:
Dilated cardiomyopathy 1G (CMD1G). Identifiers: Orphanet 154, MedGen C1858763, MONDO:0011400, OMIM 604145.
Autosomal recessive limb-girdle muscular dystrophy type 2J (LGMDR10). Also called: Limb-girdle muscular dystrophy, type 2J; MUSCULAR DYSTROPHY, LIMB-GIRDLE, AUTOSOMAL RECESSIVE 10. Identifiers: Orphanet 140922, MedGen C1837342, MONDO:0012127, OMIM 608807.

Submission:

Labcorp Genetics (formerly Invitae), Labcorp
Classification: Likely pathogenic for Dilated cardiomyopathy 1G; Autosomal recessive limb-girdle muscular dystrophy type 2J. Last evaluated: 2022-06-25. Review status: criteria provided, single submitter. Criteria: Invitae Variant Classification Sherloc (09022015). Collection method: clinical testing. Allele origin: germline.
Comment: This sequence change creates a premature translational stop signal (p.Gly24408Aspfs*35) in the TTN gene. While this is not anticipated to result in nonsense mediated decay, it is expected to create a truncated TTN protein. This variant is not present in population databases (gnomAD no frequency). This variant has not been reported in the literature in individuals affected with TTN-related conditions. This variant is located in the A band of TTN (PMID: 25589632). Truncating variants in this region are significantly overrepresented in patients affected with dilated cardiomyopathy (PMID: 25589632). Truncating variants in this region have also been reported in individuals affected with autosomal recessive centronuclear myopathy (PMID: 23975875). In summary, the currently available evidence indicates that the variant is pathogenic, but additional data are needed to prove that conclusively. Therefore, this variant has been classified as Likely Pathogenic.

Literature cited by the submitters: PubMed 25589632; PubMed 23975875.